The following is an entry in ClinVar:

ClinVar aggregate classification (germline): Pathogenic (1 of 4 stars; one submission).

Conditions:
Hereditary cancer-predisposing syndrome. Also called: Neoplastic Syndromes, Hereditary; Tumor predisposition; Hereditary Cancer Syndrome; Hereditary neoplastic syndrome. Identifiers: Orphanet 140162, MedGen C0027672, MeSH D009386, MONDO:0015356.

Submission:

Ambry Genetics
Classification: Pathogenic for Hereditary cancer-predisposing syndrome. Last evaluated: 2022-10-31. Review status: criteria provided, single submitter. Criteria: Ambry Variant Classification Scheme 2023. Collection method: clinical testing. Allele origin: germline.
Comment: The c.6878delG pathogenic mutation, located in coding exon 15 of the APC gene, results from a deletion of one nucleotide at nucleotide position 6878, causing a translational frameshift with a predicted alternate stop codon (p.G2293Vfs*25). This alteration has been observed in at least one individual with a personal and/or family history that is consistent with APC-related disease (Ambry internal data). This variant is considered to be rare based on population cohorts in the Genome Aggregation Database (gnomAD). This alteration is expected to result in loss of function by premature protein truncation or nonsense-mediated mRNA decay. As such, this alteration is interpreted as a disease-causing mutation.

NM_000038.6(APC):c.6878del (p.Gly2293fs)

Gene: APC (APC regulator of Wnt signaling pathway; plus strand). Cytogenetic location: 5q22.2.
Variant type: Deletion.
Coding change: c.6878del on transcript NM_000038.6 (MANE Select); coding-DNA position 6878, one base deleted (G; older notation c.6878delG).
Protein change: p.Gly2293fs; shifts the reading frame from glycine 2293.
Molecular consequence: frameshift variant.
Genome position (GRCh38, 1-based): chr5:112,842,472, G deleted; the last of 2 consecutive G bases (chr5:112,842,471-112,842,472); deleting either gives the same sequence. VCF-style (leftmost placement, unchanged base first): chr5-112842470-AG-A. GRCh37 (hg19) VCF-style: chr5-112178167-AG-A.
Other names: c.6878del, p.Gly2293fs (NM_001127510.3, NM_001354895.2); c.6824del, p.Gly2275fs (NM_001127511.3); c.6932del, p.Gly2311fs (NM_001354896.2); c.6908del, p.Gly2303fs (NM_001354897.2); c.6803del, p.Gly2268fs (NM_001354898.2); c.6794del, p.Gly2265fs (NM_001354899.2); c.6755del, p.Gly2252fs (NM_001354900.2); c.6701del, p.Gly2234fs (NM_001354901.2); and 16 more; short protein forms G2010fs, G2192fs, G2252fs, G2167fs, G2265fs, G2268fs, G2202fs, G2234fs.
Identifiers: ClinVar variation 1755906 (VCV001755906.3), dbSNP rs2533750578, ClinGen allele CA2580072362.